The following is an entry in ClinVar:

ClinVar aggregate classification (germline): Benign (1 of 4 stars; one submission).

gnomAD v4.1: 220,319 of 528,700 alleles (42%); highest among the groups gnomAD compares: Non-Finnish European, 46%; 47,494 homozygotes.

Submission:

Unidad de Genómica Garrahan, Hospital de Pediatría Garrahan
Classification: Benign. Last evaluated: 2024-07-31. Review status: criteria provided, single submitter. Criteria: ACMG Guidelines, 2015. Collection method: clinical testing. Allele origin: germline. Affected: no. Observed: 67 variant alleles.
Comment: This variant is classified as Benign based on local population frequency. This variant was detected in 72% of patients studied in a panel designed for Epileptic and Developmental Encephalopathy, Progressive Myoclonus Epilepsy and Abnormal Movements and Neurodegeneration with brain iron accumulation. Number of patients: 67. Only high quality variants are reported.

NM_006567.5(FARS2):c.904+555A>G

Gene: FARS2 (phenylalanyl-tRNA synthetase 2, mitochondrial; plus strand). Cytogenetic location: 6p25.1.
Variant type: single nucleotide variant.
Coding change: c.904+555A>G on transcript NM_006567.5 (MANE Select); 555 bases into the intron after coding-DNA position 904, A replaced by G.
Molecular consequence: intron variant.
Genome position (GRCh38, 1-based): chr6:5,431,727, A>G. VCF-style: chr6-5431727-A-G. GRCh37 (hg19) VCF-style: chr6-5431960-A-G.
Other names: c.904+555A>G (NM_001374878.1, NM_001318872.2, NM_001374877.1 and 4 more transcripts); c.772+27026A>G (NM_001375258.1); c.208+555A>G (NM_001375260.1, NM_001375259.1).
Identifiers: ClinVar variation 3256857 (VCV003256857.2).